The following is an entry in ClinVar:

ClinVar aggregate classification (germline): Benign/Likely benign. Review status: criteria provided, multiple submitters, no conflicts (2 of 4 stars). 7 submissions from 7 submitters: Benign (2); Likely benign (4). 1 of the submissions does not count toward it. Last evaluated 2026-01-01.

Conditions:
Neurofibromatosis, type 1 (NF1). Also called: NEUROFIBROMATOSIS, TYPE I, SOMATIC; Peripheral type neurofibromatosis; Neurofibromatosis, type I; VON RECKLINGHAUSEN DISEASE. Identifiers: Orphanet 636, MedGen C0027831, MONDO:0018975, OMIM 162200. Disease mechanism: loss of function.
NF1-related disorder. Also called: NF1-related condition. Identifiers: MedGen CN379171.
Hereditary cancer-predisposing syndrome. Also called: Neoplastic Syndromes, Hereditary; Hereditary neoplastic syndrome; Tumor predisposition; Hereditary Cancer Syndrome. Identifiers: Orphanet 140162, MedGen C0027672, MeSH D009386, MONDO:0015356.
Cardiovascular phenotype. Identifiers: MedGen CN230736.

Allele frequency attached by ClinVar (database versions not stated): gnomAD 0.00021 and 0.00023; gnomAD exomes 0.00021; TOPMed 0.00023.
gnomAD v4.1: 279 of 1,223,714 alleles (0.023%); highest among the groups gnomAD compares: Middle Eastern, 0.21%; no homozygotes.

Submissions (7):

CeGaT Center for Human Genetics Tuebingen
Classification: Likely benign. Last evaluated: 2026-01-01. Review status: criteria provided, single submitter. Criteria: CeGaT Center For Human Genetics Tuebingen Variant Classification Criteria Version 2. Collection method: clinical testing. Allele origin: germline. Affected: yes. Observed: 5 variant alleles.
Comment: NF1: BS2

Labcorp Genetics (formerly Invitae), Labcorp
Classification: Benign for Neurofibromatosis, type 1. Last evaluated: 2025-07-21. Review status: criteria provided, single submitter. Criteria: Invitae Variant Classification Sherloc (09022015). Collection method: clinical testing. Allele origin: germline.

Ambry Genetics
Classification: Benign for Cardiovascular phenotype; Hereditary cancer-predisposing syndrome. Last evaluated: 2025-05-13. Review status: criteria provided, single submitter. Criteria: Ambry Variant Classification Scheme 2023. Collection method: clinical testing. Allele origin: germline.

Blueprint Genetics
Classification: Likely benign. Last evaluated: 2023-02-02. Review status: criteria provided, single submitter. Criteria: ACMG Guidelines, 2015. Collection method: clinical testing. Allele origin: germline.

GeneDx
Classification: Likely benign. Last evaluated: 2018-10-02. Review status: criteria provided, single submitter. Criteria: GeneDx Variant Classification Process June 2021. Collection method: clinical testing. Allele origin: germline. Affected: yes.
Comment: This variant is associated with the following publications: (PMID: 26740943)

Breakthrough Genomics
Classification: Likely benign. Review status: criteria provided, single submitter. Criteria: ACMG Guidelines, 2015. Collection method: not provided. Allele origin: germline. Inheritance: Autosomal dominant inheritance. Affected: yes.

PreventionGenetics, part of Exact Sciences
Classification: Likely benign for NF1-related condition. Last evaluated: 2024-09-26. Review status: no assertion criteria provided. Collection method: clinical testing. Allele origin: germline. Not counted in ClinVar's aggregate classification.
Comment: This variant is classified as likely benign based on ACMG/AMP sequence variant interpretation guidelines (Richards et al. 2015 PMID: 25741868, with internal and published modifications).

NM_001042492.3(NF1):c.1062+113A>G

Gene: NF1 (neurofibromin 1; plus strand). Cytogenetic location: 17q11.2.
Variant type: single nucleotide variant.
Coding change: c.1062+113A>G on transcript NM_001042492.3 (MANE Select); 113 bases into the intron after coding-DNA position 1062, A replaced by G.
Molecular consequence: intron variant.
Genome position (GRCh38, 1-based): chr17:31,200,708, A>G. VCF-style: chr17-31200708-A-G. GRCh37 (hg19) VCF-style: chr17-29527726-A-G.
Other names: c.1062+113A>G (NM_001042492.2, NM_000267.4, NM_001128147.3).
Identifiers: ClinVar variation 404542 (VCV000404542.33), dbSNP rs868553650, ClinGen allele CA16615432.